The following is an entry in ClinVar:

ClinVar aggregate classification (germline): Pathogenic. Review status: criteria provided, multiple submitters, no conflicts (2 of 4 stars). 2 submissions from 2 submitters: Pathogenic (2). Last evaluated 2025-07-28.

Conditions:
Diabetes insipidus, nephrogenic, X-linked. Also called: Nephrogenic Diabetes Insipidus, Type I. Identifiers: Orphanet 223, MedGen C1563705, MONDO:0010581, OMIM 304800.

Submissions (2):

MVZ Medizinische Genetik Mainz
Classification: Pathogenic for Diabetes insipidus, nephrogenic, X-linked. Last evaluated: 2025-07-28. Review status: criteria provided, single submitter. Criteria: UK Practice Guidelines For Variant Classification V4 01 2020. Collection method: clinical testing. Allele origin: germline. Inheritance: X-linked recessive inheritance. Affected: yes. Observed: 1 variant allele.
Comment: ACMG Criteria: PVS1,PS4_SUP,PM2_SUP,PP4

3billion
Classification: Pathogenic for Diabetes insipidus, nephrogenic, X-linked. Last evaluated: 2023-12-02. Review status: criteria provided, single submitter. Criteria: ACMG Guidelines, 2015. Collection method: clinical testing. Allele origin: germline. Affected: yes.
Comment: The variant is not observed in the gnomAD v2.1.1 dataset. Predicted Consequence/Location: Frameshift: predicted to result in a loss or disruption of normal protein function through nonsense-mediated decay (NMD) or protein truncation. Multiple pathogenic variants are reported downstream of the variant. The variant has been reported to be associated with AVPR2 related disorder (PMID: 8037205). Therefore, this variant is classified as Pathogenic according to the recommendation of ACMG/AMP guideline.

Literature cited by the submitters: PubMed 8037205 (cited by 3billion).

NM_000054.7(AVPR2):c.614_615del (p.Tyr205fs)

Gene: AVPR2 (arginine vasopressin receptor 2; plus strand). Cytogenetic location: Xq28.
Variant type: Deletion.
Coding change: c.614_615del on transcript NM_000054.7 (MANE Select); coding-DNA positions 614 to 615, 2 bases deleted (AT; older notation c.614_615delAT).
Protein change: p.Tyr205fs; shifts the reading frame from tyrosine 205.
Molecular consequence: frameshift variant. On other transcripts: non-coding transcript variant (1).
Genome position (GRCh38, 1-based): chrX:153,906,120-153,906,121, AT deleted; deleting any 2 consecutive bases within chrX:153,906,119-153,906,121 gives the same sequence; the c. name uses the placement nearest the transcript's 3' end. VCF-style (leftmost placement, unchanged base first): chrX-153906118-CTA-C. GRCh37 (hg19) VCF-style: chrX-153171572-CTA-C.
Other names: c.614_615del, p.Tyr205fs (NM_001146151.3); short protein forms Y205fs.
Identifiers: ClinVar variation 3775465 (VCV003775465.2).
Genomic context (GRCh38, chrX:153,906,118, plus strand): 5'-AGGTGGCAGCGGGGTCACTGACTGCTGGGCCTGCTTTGCGGAGCCCTGGGGCCGTCGCAC[CTA>C]TGTCACCTGGATTGCCCTGATGGTGTTCGTGGCACCTACCCTGGGTATCGCCGCCTGCCA-3'